The following is an entry in ClinVar:

ClinVar aggregate classification (germline): Pathogenic (1 of 4 stars; one submission).

Conditions:
Hereditary cancer-predisposing syndrome. Also called: Neoplastic Syndromes, Hereditary; Tumor predisposition; Hereditary Cancer Syndrome; Hereditary neoplastic syndrome. Identifiers: Orphanet 140162, MedGen C0027672, MeSH D009386, MONDO:0015356.

Submission:

Ambry Genetics
Classification: Pathogenic for Hereditary cancer-predisposing syndrome. Last evaluated: 2014-12-23. Review status: criteria provided, single submitter. Criteria: Ambry Autosomal Dominant and X-Linked criteria (10/2015). Collection method: clinical testing. Allele origin: germline. Observed: 1 variant allele.
Comment: The c.6520_6538del19 pathogenic mutation, located in coding exon 43 of the NF1 gene, results from a deletion of 19 nucleotides between positions 6520 and 6538 causing a translational frameshift with a predicted alternate stop codon. Since frameshifts are typically deleterious in nature, this alteration is interpreted as a disease-causing mutation (ACMG Recommendations for Standards for Interpretation and Reporting of Sequence Variations. Revision 2007. Genet Med. 2008;10:294).

NM_001042492.3(NF1):c.6520_6538del (p.Ala2174fs)

Gene: NF1 (neurofibromin 1; plus strand). Cytogenetic location: 17q11.2.
Variant type: Deletion.
Coding change: c.6520_6538del on transcript NM_001042492.3 (MANE Select); coding-DNA positions 6520 to 6538, 19 bases deleted (GCTGTCATTGCCTTCCGTT).
Protein change: p.Ala2174fs; shifts the reading frame from alanine 2174.
Molecular consequence: frameshift variant.
Genome position (GRCh38, 1-based): chr17:31,337,460-31,337,478, GCTGTCATTGCCTTCCGTT deleted; deleting any 19 consecutive bases within chr17:31,337,459-31,337,478 gives the same sequence; the c. name uses the placement nearest the transcript's 3' end. VCF-style (leftmost placement, unchanged base first): chr17-31337458-CTGCTGTCATTGCCTTCCGT-C. GRCh37 (hg19) VCF-style: chr17-29664476-CTGCTGTCATTGCCTTCCGT-C.
Other names: c.6457_6475del19, p.Ala2153Profs (NM_000267.4); short protein forms A2174fs, A2153fs.
Identifiers: ClinVar variation 187533 (VCV000187533.3), dbSNP rs786203806, ClinGen allele CA197890.